The following is an entry in ClinVar:

NM_005228.5(EGFR):c.1747G>C (p.Ala583Pro)

Gene: EGFR (epidermal growth factor receptor; plus strand). Cytogenetic location: 7p11.2.
Variant type: single nucleotide variant.
Coding change: c.1747G>C on transcript NM_005228.5 (MANE Select); coding-DNA position 1747, G replaced by C.
Protein change: p.Ala583Pro; replaces alanine 583 with proline.
Molecular consequence: missense variant.
Genome position (GRCh38, 1-based): chr7:55,165,304, G>C. VCF-style: chr7-55165304-G-C. GRCh37 (hg19) VCF-style: chr7-55232997-G-C.
Other names: c.1612G>C, p.Ala538Pro (NM_001346897.2, NM_001346899.2); c.1747G>C, p.Ala583Pro (NM_001346898.2, NM_201282.2, NM_201284.2); c.1588G>C, p.Ala530Pro (NM_001346900.2); c.946G>C, p.Ala316Pro (NM_001346941.2); short protein forms A316P, A530P, A583P, A538P.
Identifiers: ClinVar variation 4640060 (VCV004640060.1).
Genomic context (GRCh38, chr7:55,165,304, plus strand): 5'-AGACATGCATGAACATTTTTCTCCACCTTGGTGCAGGGACCAGACAACTGTATCCAGTGT[G>C]CCCACTACATTGACGGCCCCCACTGCGTCAAGACCTGCCCGGCAGGAGTCATGGGAGAAA-3'
Protein context (NP_005219.2, residues 573-593): GRGPDNCIQC[Ala583Pro]HYIDGPHCVK

ClinVar aggregate classification (germline): Uncertain significance (1 of 4 stars; one submission).

Conditions:
Hereditary cancer-predisposing syndrome. Also called: Neoplastic Syndromes, Hereditary; Tumor predisposition; Hereditary Cancer Syndrome; Hereditary neoplastic syndrome. Identifiers: Orphanet 140162, MedGen C0027672, MeSH D009386, MONDO:0015356.

Submission:

Ambry Genetics
Classification: Uncertain significance for Hereditary cancer-predisposing syndrome. Last evaluated: 2025-12-10. Review status: criteria provided, single submitter. Criteria: Ambry Variant Classification Scheme 2023. Collection method: clinical testing. Allele origin: germline.
Comment: The p.A583P variant (also known as c.1747G>C), located in coding exon 15 of the EGFR gene, results from a G to C substitution at nucleotide position 1747. The alanine at codon 583 is replaced by proline, an amino acid with highly similar properties. This amino acid position is conserved. In addition, the in silico prediction for this alteration is inconclusive. Based on the available evidence, the clinical significance of this variant remains unclear.